The following is an entry in ClinVar:

NM_003482.4(KMT2D):c.5707C>T (p.Arg1903Ter)

Gene: KMT2D (lysine methyltransferase 2D; minus strand). Cytogenetic location: 12q13.12.
Variant type: single nucleotide variant.
Coding change: c.5707C>T on transcript NM_003482.4 (MANE Select); coding-DNA position 5707, C replaced by T.
Protein change: p.Arg1903Ter; replaces arginine 1903 with a stop codon.
Molecular consequence: nonsense.
Genome position (GRCh38, 1-based): chr12:49,042,816, G>A on the plus strand (C>T on the coding strand, the complement: KMT2D is on the minus strand). VCF-style: chr12-49042816-G-A. GRCh37 (hg19) VCF-style: chr12-49436599-G-A.
Other names: short protein forms R1903*.
Identifiers: ClinVar variation 280133 (VCV000280133.15), dbSNP rs886041405, ClinGen allele CA10603310.

ClinVar aggregate classification (germline): Pathogenic. Review status: criteria provided, multiple submitters, no conflicts (2 of 4 stars). 6 submissions from 6 submitters: Pathogenic (6). Last evaluated 2026-04-24.

Conditions:
Kabuki syndrome. Also called: NIIKAWA-KUROKI SYNDROME; Kabuki make-up syndrome. Identifiers: Orphanet 2322, MedGen C0796004, MONDO:0016512.
Kabuki syndrome 1 (KABUK1). Also called: KMT2D-Related Kabuki Syndrome. Identifiers: Orphanet 2322, MedGen CN030661, MONDO:0007843, OMIM 147920.

Submissions (6):

Dasa
Classification: Pathogenic. Last evaluated: 2026-04-24. Review status: criteria provided, single submitter. Criteria: DASA Assertion Criteria. Collection method: clinical testing. Allele origin: germline.
Comment: NM_003482.4(KMT2D):c.5707C>T (p.Arg1903*) introduces a premature termination codon predicted to result in loss of normal protein function. Loss-of-function is an established mechanism of disease for this gene. De novo occurrence has been reported in an individual with related phenotype. This variant has been recurrently observed in individuals with related phenotype (PMID: 37815018; PMID: 23913813; PMID: 25281733; PMID: 27302555; PMID: 30107592). The variant is present at low frequency in population datasets. Based on the available data, this variant is classified as pathogenic.

Daryl Scott Lab, Baylor College of Medicine
Classification: Pathogenic for Kabuki syndrome 1. Last evaluated: 2024-01-01. Review status: criteria provided, single submitter. Criteria: ACMG Guidelines, 2015. Collection method: clinical testing. Allele origin: de novo. Affected: yes. Observed: 1 heterozygote.
Comment: PVS1, PS2, PS4, PM2

Illumina Laboratory Services, Illumina
Classification: Pathogenic for Kabuki syndrome 1. Last evaluated: 2023-03-31. Review status: criteria provided, single submitter. Criteria: ICSLVariantClassificationCriteria RUGD 01 April 2020. Collection method: clinical testing. Allele origin: unknown.
Comment: The KMT2D c.5707C>T (p.Arg1903Ter) results in a premature termination of the protein at amino acid position 1903. Loss of normal protein function through either protein truncation or nonsense-mediated mRNA decay is expected. This variant has been reported in a heterozygous state in six individuals with Kabuki syndrome, including in a confirmed de novo state in two individuals (PMID: 23913813; PMID: 25281733; PMID: 27302555; PMID: 30107592; PMID: 32371413; PMID: 30266093). This variant is not found in version 2.1.1 or version 3.1.2 of the Genome Aggregation Database. This variant was identified in a de novo state. Based on the available evidence, the c.5707C>T (p.Arg1903Ter) variant is classified as pathogenic for Kabuki syndrome.

Labcorp Genetics (formerly Invitae), Labcorp
Classification: Pathogenic for Kabuki syndrome. Last evaluated: 2021-08-31. Review status: criteria provided, single submitter. Criteria: Invitae Variant Classification Sherloc (09022015). Collection method: clinical testing. Allele origin: germline.

Institute for Genomic Medicine (IGM) Clinical Laboratory, Nationwide Children's Hospital
Classification: Pathogenic for Kabuki syndrome 1. Last evaluated: 2017-07-13. Review status: criteria provided, single submitter. Criteria: ACMG Guidelines, 2015. Collection method: clinical testing. Allele origin: germline. Affected: yes.
Comment: [ACMG/AMP: PVS1, PM2, PM6, PP3, PP5] This alteration is a null variant in a gene where LOF is a known mechanism of disease [PVS1], is absent from or rarely observed in large-scale population databases [PM2], is de novo in origin as it was not detected in the submitted parental specimens (identity NOT confirmed) [PM6], is predicted to be damaging by multiple functional prediction tools [PP3], was reported as a pathogenic/likely pathogenic alteration by a reputable source (ClinVar or other correspondence from a clinical testing laboratory) [PP5].

GeneDx
Classification: Pathogenic. Last evaluated: 2016-07-07. Review status: criteria provided, single submitter. Criteria: GeneDx Variant Classification (06012015). Collection method: clinical testing. Allele origin: germline. Affected: yes.
Comment: The R1903X pathogenic variant in the KMT2D gene has been reported previously, once using alternate nomenclature c.5707C>T, in association with Kabuki syndrome (Miyake et al., 2013; Dentici et al., 2015). This variant is predicted to cause loss of normal protein function either through protein truncation or nonsense-mediated mRNA decay. The R1903X variant was not observed in approximately 6,200 individuals of European and African American ancestry in the NHLBI Exome Sequencing Project, indicating it is not a common benign variant in these populations. We interpret R1903X as a pathogenic variant.

Literature cited by the submitters: PubMed 37815018 (cited by Dasa); PubMed 23913813 (cited by Dasa and Illumina Laboratory Services, Illumina); PubMed 25281733 (cited by Dasa and Illumina Laboratory Services, Illumina); PubMed 27302555 (cited by Dasa and Illumina Laboratory Services, Illumina); PubMed 30107592 (cited by Dasa and Illumina Laboratory Services, Illumina); PubMed 32371413 (cited by Dasa and Illumina Laboratory Services, Illumina); PubMed 30266093 (cited by Dasa and Illumina Laboratory Services, Illumina).